The following is an entry in ClinVar:

NM_000264.5(PTCH1):c.746+5G>C

Gene: PTCH1 (patched 1; minus strand). Cytogenetic location: 9q22.32.
Variant type: single nucleotide variant.
Coding change: c.746+5G>C on transcript NM_000264.5 (MANE Select); 5 bases into the intron after coding-DNA position 746, G replaced by C.
Molecular consequence: intron variant. On other transcripts: 3 prime UTR variant (1).
Genome position (GRCh38, 1-based): chr9:95,481,944, C>G on the plus strand (G>C on the coding strand, the complement: PTCH1 is on the minus strand). VCF-style: chr9-95481944-C-G. GRCh37 (hg19) VCF-style: chr9-98244226-C-G.
Other names: c.*1G>C (NM_001354919.2); c.743+5G>C (NM_001083603.3); c.548+5G>C (NM_001083602.3); c.746+5G>C (NM_001354918.2); c.293+5G>C (NM_001083605.3, NM_001083604.3, NM_001083606.3 and 1 more transcripts).
Identifiers: ClinVar variation 2845316 (VCV002845316.3), dbSNP rs2538244260, ClinGen allele CA2739264797.

ClinVar aggregate classification (germline): Uncertain significance (1 of 4 stars; one submission).

Conditions:
Gorlin syndrome. Also called: Nevoid Basal Cell Carcinoma Syndrome; Basal cell nevus syndrome. Identifiers: Orphanet 377, MedGen C0004779, MONDO:0007187.

Submission:

Labcorp Genetics (formerly Invitae), Labcorp
Classification: Uncertain significance for Gorlin syndrome. Last evaluated: 2023-03-13. Review status: criteria provided, single submitter. Criteria: Invitae Variant Classification Sherloc (09022015). Collection method: clinical testing. Allele origin: germline.
Comment: In summary, the available evidence is currently insufficient to determine the role of this variant in disease. Therefore, it has been classified as a Variant of Uncertain Significance. Variants that disrupt the consensus splice site are a relatively common cause of aberrant splicing (PMID: 17576681, 9536098). Algorithms developed to predict the effect of sequence changes on RNA splicing suggest that this variant may disrupt the consensus splice site. This variant has not been reported in the literature in individuals affected with PTCH1-related conditions. This variant is not present in population databases (gnomAD no frequency). This sequence change falls in intron 5 of the PTCH1 gene. It does not directly change the encoded amino acid sequence of the PTCH1 protein. It affects a nucleotide within the consensus splice site.

Literature cited by the submitters: PubMed 17576681; PubMed 9536098.